The following is an entry in ClinVar:

ClinVar aggregate classification (germline): Uncertain significance. Review status: criteria provided, multiple submitters, no conflicts (2 of 4 stars). 2 submissions from 2 submitters: Uncertain significance (2). Last evaluated 2022-02-24.

Conditions:
Generalized epilepsy-paroxysmal dyskinesia syndrome (PNKD3). Also called: Generalized epilepsy and paroxysmal dyskinesia; Paroxysmal nonkinesigenic dyskinesia, 3, with or without generalized epilepsy. Identifiers: Orphanet 79137, MedGen C5574945, MONDO:0012276, OMIM 609446.

gnomAD v4.1: 6 of 1,611,774 alleles (0.00037%); highest among the groups gnomAD compares: East Asian, 0.0022%; no homozygotes.

Submissions (2):

GeneDx
Classification: Uncertain significance. Last evaluated: 2022-02-24. Review status: criteria provided, single submitter. Criteria: GeneDx Variant Classification Process June 2021. Collection method: clinical testing. Allele origin: germline. Affected: yes.
Comment: Not observed at significant frequency in large population cohorts (gnomAD); In silico analysis supports that this missense variant has a deleterious effect on protein structure/function; Has not been previously published as pathogenic or benign to our knowledge

Labcorp Genetics (formerly Invitae), Labcorp
Classification: Uncertain significance for Generalized epilepsy-paroxysmal dyskinesia syndrome. Last evaluated: 2020-05-15. Review status: criteria provided, single submitter. Criteria: Invitae Variant Classification Sherloc (09022015). Collection method: clinical testing. Allele origin: germline.
Comment: This sequence change replaces threonine with isoleucine at codon 1089 of the KCNMA1 protein (p.Thr1089Ile). The threonine residue is moderately conserved and there is a moderate physicochemical difference between threonine and isoleucine. In summary, the available evidence is currently insufficient to determine the role of this variant in disease. Therefore, it has been classified as a Variant of Uncertain Significance. Algorithms developed to predict the effect of missense changes on protein structure and function are either unavailable or do not agree on the potential impact of this missense change (SIFT: "Deleterious"; PolyPhen-2: "Benign"; Align-GVGD: "Class C15"). This variant has not been reported in the literature in individuals with KCNMA1-related conditions. This variant is not present in population databases (ExAC no frequency).

NM_001161352.2(KCNMA1):c.3440C>T (p.Thr1147Ile)

Genes: KCNMA1-AS1 (KCNMA1 antisense RNA 1; plus strand), KCNMA1 (potassium calcium-activated channel subfamily M alpha 1; minus strand). Cytogenetic location: 10q22.3.
Variant type: single nucleotide variant.
Coding change: c.3440C>T on transcript NM_001161352.2 (MANE Select); coding-DNA position 3440, C replaced by T.
Protein change: p.Thr1147Ile; replaces threonine 1147 with isoleucine.
Molecular consequence: missense variant.
Genome position (GRCh38, 1-based): chr10:76,889,472, G>A on the plus strand (C>T on the coding strand, the complement: KCNMA1 is on the minus strand). VCF-style: chr10-76889472-G-A. GRCh37 (hg19) VCF-style: chr10-78649230-G-A.
Other names: c.3278C>T, p.Thr1093Ile (NM_001014797.3); c.3389C>T, p.Thr1130Ile (NM_001161353.2); c.3116C>T, p.Thr1039Ile (NM_001271518.2); c.3356C>T, p.Thr1119Ile (NM_001271519.2); c.3275C>T, p.Thr1092Ile (NM_001322829.2, NM_001322836.2); c.3368C>T, p.Thr1123Ile (NM_001322830.2); c.3266C>T, p.Thr1089Ile (NM_001322832.2, NM_002247.4); c.3359C>T, p.Thr1120Ile (NM_001322835.2, NM_001322837.2); and 1 more; short protein forms T1039I, T1089I, T1092I, T1093I, T1119I, T1120I, T1123I, T1130I.
Identifiers: ClinVar variation 1063978 (VCV001063978.11), dbSNP rs1253143924, ClinGen allele CA377403040.